The following is an entry in ClinVar:

NM_001365951.3(KIF1B):c.430-9del

Gene: KIF1B (kinesin family member 1B; plus strand). Cytogenetic location: 1p36.22.
Variant type: Deletion.
Coding change: c.430-9del on transcript NM_001365951.3 (MANE Select); 9 bases into the intron before coding-DNA position 430, one base deleted (T; older notation c.430-9delT).
Molecular consequence: intron variant.
Genome position (GRCh38, 1-based): chr1:10,267,371, T deleted; the last of 3 consecutive T bases (chr1:10,267,369-10,267,371); deleting any one gives the same sequence. VCF-style (leftmost placement, unchanged base first): chr1-10267368-AT-A. GRCh37 (hg19) VCF-style: chr1-10327426-AT-A.
Other names: c.430-9del (NM_183416.4, NM_015074.3, NM_001365952.1 and 1 more transcripts); c.430-9delT (NM_015074.3).
Identifiers: ClinVar variation 281657 (VCV000281657.14), dbSNP rs771477893, ClinGen allele CA580716.

ClinVar aggregate classification (germline): Conflicting classifications of pathogenicity. Review status: criteria provided, conflicting classifications (1 of 4 stars). 3 submissions from 3 submitters: Uncertain significance (1); Likely benign (1). 1 of the submissions does not count toward it. Last evaluated 2025-12-15.

Conditions:
KIF1B-related disorder. Also called: KIF1B-related condition.
Charcot-Marie-Tooth disease type 2. Also called: Charcot-Marie-Tooth type 2. Identifiers: Orphanet 64746, MedGen C0270914, MONDO:0018993.

Submissions (3):

Labcorp Genetics (formerly Invitae), Labcorp
Classification: Likely benign for Charcot-Marie-Tooth disease type 2. Last evaluated: 2025-12-15. Review status: criteria provided, single submitter. Criteria: Invitae Variant Classification Sherloc (09022015). Collection method: clinical testing. Allele origin: germline.

Eurofins Ntd Llc (ga)
Classification: Uncertain significance. Last evaluated: 2015-06-25. Review status: criteria provided, single submitter. Criteria: EGL Classification Definitions 2015. Collection method: clinical testing. Allele origin: germline. Observed: 1 variant allele.

PreventionGenetics, part of Exact Sciences
Classification: Likely benign for KIF1B-related condition. Last evaluated: 2021-10-26. Review status: no assertion criteria provided. Collection method: clinical testing. Allele origin: germline. Not counted in ClinVar's aggregate classification.
Comment: This variant is classified as likely benign based on ACMG/AMP sequence variant interpretation guidelines (Richards et al. 2015 PMID: 25741868, with internal and published modifications).